The following is an entry in ClinVar:

NM_020163.3(SEMA3G):c.387C>T (p.Thr129=)

Gene: SEMA3G (semaphorin 3G; minus strand). Cytogenetic location: 3p21.1.
Variant type: single nucleotide variant.
Coding change: c.387C>T on transcript NM_020163.3 (MANE Select); coding-DNA position 387, C replaced by T.
Protein change: p.Thr129=; no amino-acid change (threonine 129 retained).
Molecular consequence: synonymous variant.
Genome position (GRCh38, 1-based): chr3:52,442,257, G>A on the plus strand (C>T on the coding strand, the complement: SEMA3G is on the minus strand). VCF-style: chr3-52442257-G-A. GRCh37 (hg19) VCF-style: chr3-52476273-G-A.
Identifiers: ClinVar variation 3358754 (VCV003358754.1).

ClinVar aggregate classification (germline): Likely benign (0 of 4 stars; one submission).

Conditions:
SEMA3G-related disorder. Also called: SEMA3G-related condition.

Submission:

PreventionGenetics, part of Exact Sciences
Classification: Likely benign for SEMA3G-related condition. Last evaluated: 2023-06-30. Review status: no assertion criteria provided. Collection method: clinical testing. Allele origin: germline.
Comment: This variant is classified as likely benign based on ACMG/AMP sequence variant interpretation guidelines (Richards et al. 2015 PMID: 25741868, with internal and published modifications).